The following is an entry in ClinVar:

ClinVar aggregate classification (germline): Uncertain significance. Review status: criteria provided, multiple submitters, no conflicts (2 of 4 stars). 2 submissions from 2 submitters: Uncertain significance (2). Last evaluated 2025-02-01.

Conditions:
Inborn genetic diseases. Identifiers: MedGen C0950123, MeSH D030342.

gnomAD v4.1: 66 of 1,206,553 alleles (0.0055%); highest among the groups gnomAD compares: Non-Finnish European, 0.0074%; no homozygotes.

Submissions (2):

Ambry Genetics
Classification: Uncertain significance for Inborn genetic diseases. Last evaluated: 2025-02-01. Review status: criteria provided, single submitter. Criteria: Ambry Variant Classification Scheme 2023. Collection method: clinical testing. Allele origin: germline.

Labcorp Genetics (formerly Invitae), Labcorp
Classification: Uncertain significance. Last evaluated: 2022-03-23. Review status: criteria provided, single submitter. Criteria: Invitae Variant Classification Sherloc (09022015). Collection method: clinical testing. Allele origin: germline.
Comment: In summary, the available evidence is currently insufficient to determine the role of this variant in disease. Therefore, it has been classified as a Variant of Uncertain Significance. Algorithms developed to predict the effect of missense changes on protein structure and function (SIFT, PolyPhen-2, Align-GVGD) all suggest that this variant is likely to be tolerated. This variant has not been reported in the literature in individuals affected with PHF8-related conditions. This variant is present in population databases (no rsID available, gnomAD 0.001%). This sequence change replaces proline, which is neutral and non-polar, with serine, which is neutral and polar, at codon 462 of the PHF8 protein (p.Pro462Ser).

NM_015107.3(PHF8):c.1384C>T (p.Pro462Ser)

Gene: PHF8 (PHD finger protein 8; minus strand). Cytogenetic location: Xp11.22.
Variant type: single nucleotide variant.
Coding change: c.1384C>T on transcript NM_015107.3 (MANE Select); coding-DNA position 1384, C replaced by T.
Protein change: p.Pro462Ser; replaces proline 462 with serine.
Molecular consequence: missense variant. On other transcripts: intron variant (1).
Genome position (GRCh38, 1-based): chrX:53,993,843, G>A on the plus strand (C>T on the coding strand, the complement: PHF8 is on the minus strand). VCF-style: chrX-53993843-G-A. GRCh37 (hg19) VCF-style: chrX-54020276-G-A.
Other names: c.1492C>T, p.Pro498Ser (NM_001184896.1); c.1384C>T, p.Pro462Ser (NM_001184898.2); c.1324-1004C>T (NM_001184897.2); c.1384C>T (NM_015107.2); short protein forms P462S, P498S.
Identifiers: ClinVar variation 2020072 (VCV002020072.5), dbSNP rs138652719, ClinGen allele CA413258163.